The following is an entry in ClinVar:

ClinVar aggregate classification (germline): Uncertain significance. Review status: criteria provided, multiple submitters, no conflicts (2 of 4 stars). 2 submissions from 2 submitters: Uncertain significance (2). Last evaluated 2024-12-02.

Conditions:
Neutropenia, severe congenital, 2, autosomal dominant. Identifiers: Orphanet 486, MedGen C2751288, MONDO:0013139, OMIM 613107.

Allele frequency attached by ClinVar (database versions not stated): gnomAD 0.00003; TOPMed 0.00003.

Submissions (2):

Ambry Genetics
Classification: Uncertain significance. Last evaluated: 2024-12-02. Review status: criteria provided, single submitter. Criteria: Ambry Variant Classification Scheme 2023. Collection method: clinical testing. Allele origin: germline.
Comment: The p.A174V variant (also known as c.521C>T), located in coding exon 3 of the GFI1 gene, results from a C to T substitution at nucleotide position 521. The alanine at codon 174 is replaced by valine, an amino acid with similar properties. This amino acid position is conserved. In addition, this alteration is predicted to be tolerated by in silico analysis. Based on the available evidence, the clinical significance of this variant remains unclear.

Labcorp Genetics (formerly Invitae), Labcorp
Classification: Uncertain significance for Neutropenia, severe congenital, 2, autosomal dominant. Last evaluated: 2024-06-24. Review status: criteria provided, single submitter. Criteria: Invitae Variant Classification Sherloc (09022015). Collection method: clinical testing. Allele origin: germline.
Comment: This sequence change replaces alanine, which is neutral and non-polar, with valine, which is neutral and non-polar, at codon 174 of the GFI1 protein (p.Ala174Val). This variant is not present in population databases (gnomAD no frequency). This variant has not been reported in the literature in individuals affected with GFI1-related conditions. Advanced modeling of protein sequence and biophysical properties (such as structural, functional, and spatial information, amino acid conservation, physicochemical variation, residue mobility, and thermodynamic stability) performed at Invitae indicates that this missense variant is not expected to disrupt GFI1 protein function with a negative predictive value of 80%. In summary, the available evidence is currently insufficient to determine the role of this variant in disease. Therefore, it has been classified as a Variant of Uncertain Significance.

NM_005263.5(GFI1):c.521C>T (p.Ala174Val)

Gene: GFI1 (growth factor independent 1 transcriptional repressor; minus strand). Cytogenetic location: 1p22.1.
Variant type: single nucleotide variant.
Coding change: c.521C>T on transcript NM_005263.5 (MANE Select); coding-DNA position 521, C replaced by T.
Protein change: p.Ala174Val; replaces alanine 174 with valine.
Molecular consequence: missense variant.
Genome position (GRCh38, 1-based): chr1:92,480,866, G>A on the plus strand (C>T on the coding strand, the complement: GFI1 is on the minus strand). VCF-style: chr1-92480866-G-A. GRCh37 (hg19) VCF-style: chr1-92946423-G-A.
Other names: c.521C>T, p.Ala174Val (NM_001127215.3, NM_001127216.3); short protein forms A174V.
Identifiers: ClinVar variation 2903608 (VCV002903608.4), dbSNP rs761534489, ClinGen allele CA951371.